The following is an entry in ClinVar:

NM_001130987.2(DYSF):c.888+97T>C

Gene: DYSF (dysferlin; plus strand). Cytogenetic location: 2p13.2.
Variant type: single nucleotide variant.
Coding change: c.888+97T>C on transcript NM_001130987.2 (MANE Select); 97 bases into the intron after coding-DNA position 888, T replaced by C.
Molecular consequence: intron variant.
Genome position (GRCh38, 1-based): chr2:71,515,848, T>C. VCF-style: chr2-71515848-T-C. GRCh37 (hg19) VCF-style: chr2-71742978-T-C.
Other names: c.885+97T>C (NM_001130979.2, NM_001130981.2, NM_001130980.2); c.792+97T>C (NM_001130978.2, NM_003494.4, NM_001130977.2 and 1 more transcripts); c.888+97T>C (NM_001130982.2, NM_001130985.2); c.795+97T>C (NM_001130983.2, NM_001130455.2, NM_001130984.2 and 1 more transcripts).
Identifiers: ClinVar variation 681724 (VCV000681724.2), dbSNP rs13428194, ClinGen allele CA11118013.
Genomic context (GRCh38, chr2:71,515,848, plus strand): 5'-GGGCCTTCCAATCTGGAAGCCCAGTGCAGACACCTGGCAATTCATTCAAGAGTGTTTACG[T>C]ATGGCGCTGACCTTGGGTGGTGAGATGTGCTGGCTCCCAAGGAGGTTATCTGTGGGACTG-3'

ClinVar aggregate classification (germline): Benign. Review status: criteria provided, multiple submitters, no conflicts (2 of 4 stars). 2 submissions from 2 submitters: Benign (2). Last evaluated 2018-06-19.

Allele frequency attached by ClinVar (database versions not stated): 1000 Genomes Project 0.09625; 1000 Genomes Project 30x 0.09728; TOPMed 0.12670; gnomAD 0.12936 and 0.13230.
gnomAD v4.1: 203,244 of 1,550,782 alleles (13%); highest among the groups gnomAD compares: Non-Finnish European, 14%; 13,962 homozygotes.

Submissions (2):

GeneDx
Classification: Benign. Last evaluated: 2018-06-19. Review status: criteria provided, single submitter. Criteria: GeneDx Variant Classification (06012015). Collection method: clinical testing. Allele origin: germline. Affected: yes.
Comment: This variant is considered likely benign or benign based on one or more of the following criteria: it is a conservative change, it occurs at a poorly conserved position in the protein, it is predicted to be benign by multiple in silico algorithms, and/or has population frequency not consistent with disease.

Breakthrough Genomics
Classification: Benign. Review status: criteria provided, single submitter. Criteria: ACMG Guidelines, 2015. Collection method: not provided. Allele origin: germline. Inheritance: Autosomal recessive inheritance. Affected: yes.